The following is an entry in ClinVar:

ClinVar aggregate classification (germline): Pathogenic (1 of 4 stars; one submission).

Conditions:
Developmental delay, impaired speech, and behavioral abnormalities, with or without seizures (DEDISB). Identifiers: MedGen C5575272, MONDO:0859263, OMIM 619964.

Submission:

Victorian Clinical Genetics Services, Murdoch Childrens Research Institute
Classification: Pathogenic for Developmental delay, impaired speech, and behavioral abnormalities, with or without seizures. Last evaluated: 2026-01-23. Review status: criteria provided, single submitter. Criteria: ACMG Guidelines, 2015. Collection method: clinical testing. Allele origin: germline. Affected: yes.
Comment: This variant is classified as Pathogenic. Evidence in support of pathogenic classification: Variant is predicted to cause nonsense-mediated decay (NMD) and loss of protein (premature termination codon is located at least 54 nucleotides upstream of the final exon-exon junction); Variant is absent from gnomAD (v2, v3 and v4); Other NMD-predicted variants comparable to the one identified in this case have very strong previous evidence for pathogenicity (DECIPHER). Additional information: This variant is heterozygous; This gene is associated with autosomal dominant disease; This variant has no previous evidence of pathogenicity; No published evidence of segregation with disease has been identified for this variant; No published functional evidence has been identified for this variant; Loss of function is a known mechanism of disease in this gene and is associated with developmental delay, impaired speech, and behavioural abnormalities, with or without seizures (MIM#619964); Variants in this gene are known to have variable expressivity (PMID: 34113008); Inheritance information for this variant is not currently available in this individual.

Literature cited by the submitters: PubMed 34113008.

NM_006421.5(ARFGEF1):c.5010_5011insA (p.Tyr1671fs)

Gene: ARFGEF1 (ARF guanine nucleotide exchange factor 1; minus strand). Cytogenetic location: 8q13.2.
Variant type: Insertion.
Coding change: c.5010_5011insA on transcript NM_006421.5 (MANE Select); coding-DNA positions 5010 to 5011, A inserted.
Protein change: p.Tyr1671fs; shifts the reading frame from tyrosine 1671.
Molecular consequence: frameshift variant. On other transcripts: non-coding transcript variant (1).
Genome position: GRCh38 VCF-style: chr8-67203200-A-AT. GRCh37 (hg19) VCF-style: chr8-68115435-A-AT.
Other names: c.5010_5011insA, p.Tyr1671fs (NM_001413184.1, NM_001413187.1, NM_001413194.1); c.4992_4993insA, p.Tyr1665fs (NM_001413185.1, NM_001413186.1, NM_001413189.1); c.4410_4411insA, p.Tyr1471fs (NM_001413188.1, NM_001413197.1); c.5004_5005insA, p.Tyr1669fs (NM_001413190.1); c.4914_4915insA, p.Tyr1639fs (NM_001413191.1); c.4896_4897insA, p.Tyr1633fs (NM_001413192.1); c.4392_4393insA, p.Tyr1465fs (NM_001413193.1); c.3585_3586insA, p.Tyr1196fs (NM_001413196.1); short protein forms Y1196fs, Y1465fs, Y1471fs, Y1633fs, Y1639fs, Y1665fs, Y1669fs, Y1671fs.
Identifiers: ClinVar variation 4819031 (VCV004819031.1).